The following is an entry in ClinVar:

ClinVar aggregate classification (germline): Likely benign. Review status: criteria provided, single submitter (1 of 4 stars). 2 submissions from 2 submitters: Likely benign (1). 1 of the submissions does not count toward it. Last evaluated 2025-07-01.

Conditions:
PANX1-related disorder. Also called: PANX1-related condition.

Allele frequency attached by ClinVar (database versions not stated): gnomAD exomes 0.00010; ExAC 0.00028; ESP Exome Variant Server 0.00085; gnomAD 0.00086; TOPMed 0.00099; 1000 Genomes Project 0.00120; 1000 Genomes Project 30x 0.00125.

Submissions (2):

CeGaT Center for Human Genetics Tuebingen
Classification: Likely benign. Last evaluated: 2025-07-01. Review status: criteria provided, single submitter. Criteria: CeGaT Center For Human Genetics Tuebingen Variant Classification Criteria Version 2. Collection method: clinical testing. Allele origin: germline. Affected: yes. Observed: 1 variant allele.
Comment: PANX1: BP4, BP7

PreventionGenetics, part of Exact Sciences
Classification: Likely benign for PANX1-related condition. Last evaluated: 2019-10-28. Review status: no assertion criteria provided. Collection method: clinical testing. Allele origin: germline. Not counted in ClinVar's aggregate classification.
Comment: This variant is classified as likely benign based on ACMG/AMP sequence variant interpretation guidelines (Richards et al. 2015 PMID: 25741868, with internal and published modifications).

NM_015368.4(PANX1):c.765C>T (p.Asn255=)

Gene: PANX1 (pannexin 1; plus strand). Cytogenetic location: 11q21.
Variant type: single nucleotide variant.
Coding change: c.765C>T on transcript NM_015368.4 (MANE Select); coding-DNA position 765, C replaced by T.
Protein change: p.Asn255=; no amino-acid change (asparagine 255 retained).
Molecular consequence: synonymous variant.
Genome position (GRCh38, 1-based): chr11:94,179,821, C>T. VCF-style: chr11-94179821-C-T. GRCh37 (hg19) VCF-style: chr11-93912987-C-T.
Identifiers: ClinVar variation 3045613 (VCV003045613.10), dbSNP rs74832612, ClinGen allele CA6234096.
Genomic context (GRCh38, chr11:94,179,821, plus strand): 5'-CAGCCTCTCCTCACTCTCAGACGAGTTTGTGTGCAGCATCAAATCAGGGATCCTGAGAAA[C>T]GACAGCACCGTGCCCGATCAGTTTCAGTGCAAACTCATTGCCGTGGGCATCTTCCAGTTG-3'
Protein context (NP_056183.2, residues 245-265): VCSIKSGILR[Asn255=]DSTVPDQFQC